The following is an entry in ClinVar:

ClinVar aggregate classification (germline): Pathogenic (1 of 4 stars; one submission).

Conditions:
Duchenne muscular dystrophy (DMD). Also called: Duchenne Muscular Dystrophy (DMD); MUSCULAR DYSTROPHY, PSEUDOHYPERTROPHIC PROGRESSIVE, DUCHENNE TYPE. Identifiers: Orphanet 98896, MedGen C0013264, MONDO:0010679, OMIM 310200.

Submission:

Labcorp Genetics (formerly Invitae), Labcorp
Classification: Pathogenic for Duchenne muscular dystrophy. Last evaluated: 2019-11-06. Review status: criteria provided, single submitter. Criteria: Invitae Variant Classification Sherloc (09022015). Collection method: clinical testing. Allele origin: germline.
Comment: For these reasons, this variant has been classified as Pathogenic. The region of the DMD gene that includes exons 45-47 has been determined to be clinically significant (PMID: 2063877, 11257468, 16566881, 19449031, 22090376). Therefore, deletions that encompass that region are likely to disrupt protein function and cause disease. This variant has been observed in individual(s) with clinical features of DMD-related muscular dystrophy (Invitae). This variant is an in-frame deletion of the genomic region encompassing exons 14-51 of the DMD gene. It preserves the integrity of the reading frame.

Literature cited by the submitters: PubMed 2063877; PubMed 11257468; PubMed 16566881; PubMed 19449031; PubMed 22090376.

NC_000023.11:g.(?_31773950)_(32573856_?)del

Gene: DMD (dystrophin; minus strand). Cytogenetic location: Xp21.1.
Variant type: Deletion.
Identifiers: ClinVar variation 833410 (VCV000833410.8).